The following is an entry in ClinVar:

ClinVar aggregate classification (germline): Uncertain significance (1 of 4 stars; one submission).

Allele frequency attached by ClinVar (database versions not stated): gnomAD exomes below 0.00001.
gnomAD v4.1: 3 of 1,614,018 alleles (0.00019%); highest among the groups gnomAD compares: Admixed American, 0.0017%; no homozygotes.

Submission:

Labcorp Genetics (formerly Invitae), Labcorp
Classification: Uncertain significance. Last evaluated: 2021-09-24. Review status: criteria provided, single submitter. Criteria: Invitae Variant Classification Sherloc (09022015). Collection method: clinical testing. Allele origin: germline.
Comment: This sequence change replaces alanine with valine at codon 1289 of the CDH23 protein (p.Ala1289Val). The alanine residue is highly conserved and there is a small physicochemical difference between alanine and valine. This variant is not present in population databases (ExAC no frequency). This variant has not been reported in the literature in individuals with CDH23-related conditions. Algorithms developed to predict the effect of missense changes on protein structure and function are either unavailable or do not agree on the potential impact of this missense change (SIFT: "Deleterious"; PolyPhen-2: "Not Available"; Align-GVGD: "Class C55"). Algorithms developed to predict the effect of sequence changes on RNA splicing suggest that this variant may create or strengthen a splice site, but this prediction has not been confirmed by published transcriptional studies. In summary, the available evidence is currently insufficient to determine the role of this variant in disease. Therefore, it has been classified as a Variant of Uncertain Significance.

NM_022124.6(CDH23):c.3866C>T (p.Ala1289Val)

Genes: C10orf105 (chromosome 10 open reading frame 105; minus strand), CDH23 (cadherin related 23; plus strand). Cytogenetic location: 10q22.1.
Variant type: single nucleotide variant.
Coding change: c.3866C>T on transcript NM_022124.6 (MANE Select); coding-DNA position 3866, C replaced by T.
Protein change: p.Ala1289Val; replaces alanine 1289 with valine.
Molecular consequence: missense variant. On other transcripts: intron variant (1).
Genome position (GRCh38, 1-based): chr10:71,732,137, C>T. VCF-style: chr10-71732137-C-T. GRCh37 (hg19) VCF-style: chr10-73491894-C-T.
Other names: c.3866C>T, p.Ala1289Val (NM_001171930.2); c.-6+5591G>A (NM_001168390.2); short protein forms A1289V.
Identifiers: ClinVar variation 1363296 (VCV001363296.6), dbSNP rs764761306, ClinGen allele CA209480511.